The following is an entry in ClinVar:

ClinVar aggregate classification (germline): Pathogenic (1 of 4 stars; one submission).

Conditions:
Deficiency of ferroxidase (ACEP). Also called: Deficiency of ceruloplasmin; Ceruloplasmin deficiency; Familial apoceruloplasmin deficiency; Hereditary ceruloplasmin deficiency; NEURODEGENERATION WITH BRAIN IRON ACCUMULATION 10; Aceruloplasminemia. Identifiers: Orphanet 48818, MedGen C0878682, MONDO:0011426, OMIM 604290, HP:0025498.

Submission:

Labcorp Genetics (formerly Invitae), Labcorp
Classification: Pathogenic for Deficiency of ferroxidase. Last evaluated: 2025-02-26. Review status: criteria provided, single submitter. Criteria: Invitae Variant Classification Sherloc (09022015). Collection method: clinical testing. Allele origin: germline.
Comment: This sequence change creates a premature translational stop signal (p.Gln498*) in the CP gene. It is expected to result in an absent or disrupted protein product. Loss-of-function variants in CP are known to be pathogenic (PMID: 16629161). This variant is not present in population databases (gnomAD no frequency). This variant has not been reported in the literature in individuals affected with CP-related conditions. For these reasons, this variant has been classified as Pathogenic.

Literature cited by the submitters: PubMed 16629161.

NM_000096.4(CP):c.1492C>T (p.Gln498Ter)

Gene: CP (ceruloplasmin; minus strand). Cytogenetic location: 3q24.
Variant type: single nucleotide variant.
Coding change: c.1492C>T on transcript NM_000096.4 (MANE Select); coding-DNA position 1492, C replaced by T.
Protein change: p.Gln498Ter; replaces glutamine 498 with a stop codon.
Molecular consequence: nonsense. On other transcripts: non-coding transcript variant (1).
Genome position (GRCh38, 1-based): chr3:149,199,721, G>A on the plus strand (C>T on the coding strand, the complement: CP is on the minus strand). VCF-style: chr3-149199721-G-A. GRCh37 (hg19) VCF-style: chr3-148917508-G-A.
Other names: short protein forms Q498*.
Identifiers: ClinVar variation 3674142 (VCV003674142.2).